The following is an entry in ClinVar:

ClinVar aggregate classification (germline): Likely benign (1 of 4 stars; one submission).

gnomAD v4.1: 28 of 1,208,402 alleles (0.0023%); highest among the groups gnomAD compares: Non-Finnish European, 0.0025%; no homozygotes.

Submission:

CeGaT Center for Human Genetics Tuebingen
Classification: Likely benign. Last evaluated: 2025-08-01. Review status: criteria provided, single submitter. Criteria: CeGaT Center For Human Genetics Tuebingen Variant Classification Criteria Version 2. Collection method: clinical testing. Allele origin: germline. Affected: yes. Observed: 1 variant allele.
Comment: AFF2: BP4, BP7, BS2

NM_002025.4(AFF2):c.3039G>A (p.Thr1013=)

Gene: AFF2 (ALF transcription elongation factor 2; plus strand). Cytogenetic location: Xq28.
Variant type: single nucleotide variant.
Coding change: c.3039G>A on transcript NM_002025.4 (MANE Select); coding-DNA position 3039, G replaced by A.
Protein change: p.Thr1013=; no amino-acid change (threonine 1013 retained).
Molecular consequence: synonymous variant.
Genome position (GRCh38, 1-based): chrX:148,966,915, G>A. VCF-style: chrX-148966915-G-A. GRCh37 (hg19) VCF-style: chrX-148048445-G-A.
Other names: c.2934G>A, p.Thr978= (NM_001169122.2, NM_001169124.2); c.3009G>A, p.Thr1003= (NM_001169123.2); c.2922G>A, p.Thr974= (NM_001169125.2); c.1962G>A, p.Thr654= (NM_001170628.1).
Identifiers: ClinVar variation 4084126 (VCV004084126.8).